The following is an entry in ClinVar:

ClinVar aggregate classification (germline): Benign/Likely benign. Review status: criteria provided, multiple submitters, no conflicts (2 of 4 stars). 3 submissions from 3 submitters: Benign (1); Likely benign (2). Last evaluated 2024-10-10.

Conditions:
Hereditary diffuse gastric adenocarcinoma (HDGC). Also called: DIFFUSE GASTRIC AND LOBULAR BREAST CANCER SYNDROME. Identifiers: Orphanet 26106, MedGen C1708349, MONDO:0007648, OMIM 137215.
Hereditary cancer-predisposing syndrome. Also called: Hereditary neoplastic syndrome; Hereditary Cancer Syndrome; Tumor predisposition; Neoplastic Syndromes, Hereditary. Identifiers: Orphanet 140162, MedGen C0027672, MeSH D009386, MONDO:0015356.

Submissions (3):

Myriad Genetics, Inc.
Classification: Benign for Hereditary diffuse gastric adenocarcinoma. Last evaluated: 2024-10-10. Review status: criteria provided, single submitter. Criteria: Myriad Autosomal Dominant, Autosomal Recessive and X-Linked Classification Criteria (2023). Collection method: clinical testing. Allele origin: unknown.
Comment: This variant is considered benign. This variant is a silent/synonymous amino acid change and it is not expected to impact splicing.

Labcorp Genetics (formerly Invitae), Labcorp
Classification: Likely benign. Last evaluated: 2024-04-10. Review status: criteria provided, single submitter. Criteria: Invitae Variant Classification Sherloc (09022015). Collection method: clinical testing. Allele origin: germline.

Ambry Genetics
Classification: Likely benign for Hereditary cancer-predisposing syndrome. Last evaluated: 2022-04-01. Review status: criteria provided, single submitter. Criteria: Ambry Variant Classification Scheme 2023. Collection method: clinical testing. Allele origin: germline.

NM_001903.5(CTNNA1):c.942T>C (p.Ser314=)

Gene: CTNNA1 (catenin alpha 1; plus strand). Cytogenetic location: 5q31.2.
Variant type: single nucleotide variant.
Coding change: c.942T>C on transcript NM_001903.5 (MANE Select); coding-DNA position 942, T replaced by C.
Protein change: p.Ser314=; no amino-acid change (serine 314 retained).
Molecular consequence: synonymous variant.
Genome position (GRCh38, 1-based): chr5:138,827,598, T>C. VCF-style: chr5-138827598-T-C. GRCh37 (hg19) VCF-style: chr5-138163287-T-C.
Other names: c.942T>C, p.Ser314= (NM_001290307.3, NM_001323982.2, NM_001323983.1 and 3 more transcripts); c.633T>C, p.Ser211= (NM_001290309.3); c.573T>C, p.Ser191= (NM_001290310.3).
Identifiers: ClinVar variation 1670930 (VCV001670930.11), dbSNP rs1581178401, ClinGen allele CA446595429.